The following is an entry in ClinVar:

NM_007294.4(BRCA1):c.3962C>G (p.Ser1321Cys)

Genes: BRCA1 (BRCA1 DNA repair associated; minus strand), LOC126862571 (BRD4-independent group 4 enhancer GRCh37_chr17:41243136-41244335; plus strand). Cytogenetic location: 17q21.31.
Variant type: single nucleotide variant.
Coding change: c.3962C>G on transcript NM_007294.4 (MANE Select); coding-DNA position 3962, C replaced by G.
Protein change: p.Ser1321Cys; replaces serine 1321 with cysteine.
Molecular consequence: missense variant. On other transcripts: intron variant (135).
Genome position (GRCh38, 1-based): chr17:43,091,569, G>C on the plus strand (C>G on the coding strand, the complement: BRCA1 is on the minus strand). VCF-style: chr17-43091569-G-C. GRCh37 (hg19) VCF-style: chr17-41243586-G-C.
Other names: c.3749C>G, p.Ser1250Cys (NM_001407571.1, NM_001407853.1, NM_001407894.1 and 9 more transcripts); c.3962C>G, p.Ser1321Cys (NM_001407581.1, NM_001407582.1, NM_001407602.1 and 30 more transcripts); c.3959C>G, p.Ser1320Cys (NM_001407610.1, NM_001407611.1, NM_001407612.1 and 22 more transcripts); c.3953C>G, p.Ser1318Cys (NM_001407646.1, NM_001407647.1); c.3839C>G, p.Ser1280Cys (NM_001407648.1, NM_001407664.1, NM_001407665.1 and 19 more transcripts); c.3836C>G, p.Ser1279Cys (NM_001407649.1, NM_001407670.1, NM_001407671.1 and 11 more transcripts); c.3884C>G, p.Ser1295Cys (NM_001407653.1, NM_001407654.1, NM_001407655.1 and 4 more transcripts); c.3881C>G, p.Ser1294Cys (NM_001407659.1, NM_001407660.1, NM_001407661.1 and 1 more transcripts); and 41 more; short protein forms S1321C, S1274C, S1232C, S1253C, S1280C, S1294C, S1025C, S1153C.
Identifiers: ClinVar variation 41820 (VCV000041820.23), dbSNP rs386833394, ClinGen allele CA002536.
Genomic context (GRCh38, chr17:43,091,569, plus strand): 5'-ACCAATTCCTTGTCACTCAGACCAACTCCCTGGCTTTCAGACTGATGCCTCATTTGTTTG[G>C]AAGAACCAATCAAGAAAGGATCCTGGGTGTTTGTATTTGCAGTCAAGTCTTCCAATTCAC-3'
Protein context (NP_009225.1, residues 1311-1331): NTQDPFLIGS[Ser1321Cys]KQMRHQSESQ

ClinVar aggregate classification (germline): Conflicting classifications of pathogenicity. Review status: criteria provided, conflicting classifications (1 of 4 stars). 6 submissions from 6 submitters: Uncertain significance (3); Likely benign (2). 1 of the submissions does not count toward it. Last evaluated 2026-07-15.

Conditions:
Hereditary cancer-predisposing syndrome. Also called: Hereditary neoplastic syndrome; Neoplastic Syndromes, Hereditary; Hereditary Cancer Syndrome; Tumor predisposition. Identifiers: Orphanet 140162, MedGen C0027672, MeSH D009386, MONDO:0015356.
Hereditary breast ovarian cancer syndrome. Also called: Breast and ovarian cancer; Hereditary breast and/or ovarian cancer syndrome; BRCA1- and BRCA2-Associated Hereditary Breast and Ovarian Cancer; Hereditary breast and ovarian cancer syndrome; Hereditary breast and ovarian cancer; Hereditary breast and ovarian cancer syndrome (HBOC). Identifiers: Orphanet 145, MedGen C0677776, MeSH D061325, MONDO:0003582. Disease mechanism: loss of function.
Breast-ovarian cancer, familial, susceptibility to, 1 (BROVCA1). Also called: BRCA1 Hereditary Breast and Ovarian Cancer; OVARIAN CANCER, SUSCEPTIBILITY TO. Identifiers: Orphanet 145, MedGen C2676676, MONDO:0011450, OMIM 604370. Disease mechanism: loss of function.

gnomAD v4.1: 1 of 1,614,134 alleles (0.000062%); highest among the groups gnomAD compares: Non-Finnish European, 0.000085%; no homozygotes.

Submissions (6):

Myriad Genetics, Inc.
Classification: Likely benign for Breast-ovarian cancer, familial, susceptibility to, 1. Last evaluated: 2026-07-15. Review status: criteria provided, single submitter. Criteria: Myriad Autosomal Dominant, Autosomal Recessive and X-Linked Classification Criteria (2023). Collection method: clinical testing. Allele origin: unknown.
Comment: This variant is considered likely benign. This variant is strongly associated with less severe personal and family histories of cancer, typical for individuals without pathogenic variants in this gene [PMID: 25085752].

Labcorp Genetics (formerly Invitae), Labcorp
Classification: Uncertain significance for Hereditary breast ovarian cancer syndrome. Last evaluated: 2025-01-07. Review status: criteria provided, single submitter. Criteria: Invitae Variant Classification Sherloc (09022015). Collection method: clinical testing. Allele origin: germline.
Comment: This sequence change replaces serine, which is neutral and polar, with cysteine, which is neutral and slightly polar, at codon 1321 of the BRCA1 protein (p.Ser1321Cys). This variant is not present in population databases (gnomAD no frequency). This variant has not been reported in the literature in individuals affected with BRCA1-related conditions. ClinVar contains an entry for this variant (Variation ID: 41820). Invitae Evidence Modeling of protein sequence and biophysical properties (such as structural, functional, and spatial information, amino acid conservation, physicochemical variation, residue mobility, and thermodynamic stability) indicates that this missense variant is not expected to disrupt BRCA1 protein function with a negative predictive value of 80%. In summary, the available evidence is currently insufficient to determine the role of this variant in disease. Therefore, it has been classified as a Variant of Uncertain Significance.

Ambry Genetics
Classification: Uncertain significance for Hereditary cancer-predisposing syndrome. Last evaluated: 2023-10-19. Review status: criteria provided, single submitter. Criteria: Ambry Variant Classification Scheme 2023. Collection method: clinical testing. Allele origin: germline.
Comment: The p.S1321C variant (also known as c.3962C>G), located in coding exon 9 of the BRCA1 gene, results from a C to G substitution at nucleotide position 3962. The serine at codon 1321 is replaced by cysteine, an amino acid with dissimilar properties. This amino acid position is well conserved in available vertebrate species. In addition, the in silico prediction for this alteration is inconclusive. Since supporting evidence is limited at this time, the clinical significance of this alteration remains unclear.

University of Washington Department of Laboratory Medicine, University of Washington
Classification: Likely benign for Hereditary cancer-predisposing syndrome. Last evaluated: 2023-03-23. Review status: criteria provided, single submitter. Criteria: Dines et al. (Genet Med. 2020). Collection method: curation. Allele origin: germline.
Comment: Missense variant in a coldspot region where missense variants are very unlikely to be pathogenic (PMID:31911673).

BRCA1 coldspot (exon 11 using historical exon numbering). Reclassification based on statistical prior probability

Women's Health and Genetics/Laboratory Corporation of America, LabCorp
Classification: Uncertain significance. Last evaluated: 2021-12-07. Review status: criteria provided, single submitter. Criteria: LabCorp Variant Classification Summary - May 2015. Collection method: clinical testing. Allele origin: germline.
Comment: Variant summary: BRCA1 c.3962C>G (p.Ser1321Cys) results in a non-conservative amino acid change in the encoded protein sequence. Five of five in-silico tools predict a damaging effect of the variant on protein function. The variant was absent in 251298 control chromosomes (gnomAD). The available data on variant occurrences in the general population are insufficient to allow any conclusion about variant significance. To our knowledge, no occurrence of c.3962C>G in individuals affected with Prostate Cancer and no experimental evidence demonstrating its impact on protein function have been reported. One clinical diagnostic laboratory has submitted clinical-significance assessments for this variant to ClinVar after 2014 and classified the variant as uncertain significance. Based on the evidence outlined above, the variant was classified as uncertain significance.

Biesecker Lab/Clinical Genomics Section, National Institutes of Health
Classification: Uncertain significance. Last evaluated: 2012-07-13. Review status: no assertion criteria provided. Collection method: research. Allele origin: germline. Affected: no. Observed: 1 variant allele. Study: ClinSeq. Not counted in ClinVar's aggregate classification.
ClinVar note: Converted during submission from variant of unknown significance to Uncertain significance.

Literature cited by the submitters: PubMed 25085752 (cited by Myriad Genetics, Inc.).